The following is an entry in ClinVar:

ClinVar aggregate classification (germline): Pathogenic. Review status: criteria provided, multiple submitters, no conflicts (2 of 4 stars). 2 submissions from 2 submitters: Pathogenic (2). Last evaluated 2023-08-30.

Conditions:
Cardiac arrhythmia. Also called: Arrhythmia; Cardiac rhythm disease. Identifiers: MedGen C0003811, MONDO:0007263, HP:0011675.
Long QT syndrome (LQTS). Identifiers: MedGen C0023976, MeSH D008133, MONDO:0002442. Disease mechanism: loss of function. Inheritance: Various modes of inheritance.

Submissions (2):

Labcorp Genetics (formerly Invitae), Labcorp
Classification: Pathogenic for Long QT syndrome. Last evaluated: 2023-08-30. Review status: criteria provided, single submitter. Criteria: Invitae Variant Classification Sherloc (09022015). Collection method: clinical testing. Allele origin: germline.
Comment: This sequence change creates a premature translational stop signal (p.Phe125Cysfs*21) in the KCNH2 gene. It is expected to result in an absent or disrupted protein product. Loss-of-function variants in KCNH2 are known to be pathogenic (PMID: 10973849, 19862833). For these reasons, this variant has been classified as Pathogenic. ClinVar contains an entry for this variant (Variation ID: 200759). This variant has not been reported in the literature in individuals affected with KCNH2-related conditions. This variant is not present in population databases (gnomAD no frequency).

GeneDx
Classification: Pathogenic for Cardiac arrhythmia. Last evaluated: 2011-08-14. Review status: criteria provided, single submitter. Criteria: GeneDx Variant Classification (06012015). Collection method: clinical testing. Allele origin: germline. Affected: yes.
Comment: The c.373_374insGTGG mutation in the KCNH2 gene creates a shift in the reading frame at codon Phenylalanine 125, changing it to a Cysteine, and creating a premature stop codon at position 21 of the new reading frame. Although this mutation has not been reported previously to our knowledge, it is expected to result in an abnormal, truncated protein or in absence of protein from this allele due to mRNA decay, and therefore is interpreted to be a disease-causing mutation. The variant is found in LQT panel(s).

Literature cited by the submitters: PubMed 10973849 (cited by Labcorp Genetics (formerly Invitae), Labcorp); PubMed 19862833 (cited by Labcorp Genetics (formerly Invitae), Labcorp).

NM_000238.4(KCNH2):c.373_374insGTGG (p.Phe125fs)

Gene: KCNH2 (potassium voltage-gated channel subfamily H member 2; minus strand). Cytogenetic location: 7q36.1.
Variant type: Insertion.
Coding change: c.373_374insGTGG on transcript NM_000238.4 (MANE Select); coding-DNA positions 373 to 374, GTGG inserted.
Protein change: p.Phe125fs; shifts the reading frame from phenylalanine 125.
Molecular consequence: frameshift variant.
Genome position: GRCh38 VCF-style: chr7-150959670-A-ACCAC. GRCh37 (hg19) VCF-style: chr7-150656758-A-ACCAC.
Other names: c.85_86insGTGG, p.Phe29Cysfs (NM_001406753.1, NM_001406756.1); c.196_197insGTGG, p.Phe66Cysfs (NM_001406755.1); c.73_74insGTGG, p.Phe25Cysfs (NM_001406757.1); c.373_374insGTGG, p.Phe125Cysfs (NM_172056.3); short protein forms F125fs.
Identifiers: ClinVar variation 200759 (VCV000200759.7), dbSNP rs794728489, ClinGen allele CA008376.
Genomic context (GRCh38, chr7:150,959,670, plus strand): 5'-GTGTCATGAGCCGGGGACCCCACCATGTCCTTCTCCATCACCACCTCGAAATTGAGGATG[A>ACCAC]ACATGATGACAGCCCCATCCTCGTTCTTCACGGGCACCACATCCACCAGACATAGGAAGC-3'